The following is an entry in ClinVar:

ClinVar aggregate classification (germline): Conflicting classifications of pathogenicity. Review status: criteria provided, conflicting classifications (1 of 4 stars). 3 submissions from 3 submitters: Uncertain significance (2); Likely benign (1). Last evaluated 2026-07-01.

Conditions:
Inborn genetic diseases. Identifiers: MedGen C0950123, MeSH D030342.

Allele frequency attached by ClinVar (database versions not stated): ExAC 0.00002; TOPMed 0.00005; gnomAD 0.00007.
gnomAD v4.1: 158 of 1,573,796 alleles (0.01%); highest among the groups gnomAD compares: Non-Finnish European, 0.012%; no homozygotes.

Submissions (3):

CeGaT Center for Human Genetics Tuebingen
Classification: Likely benign. Last evaluated: 2026-07-01. Review status: criteria provided, single submitter. Criteria: CeGaT Center For Human Genetics Tuebingen Variant Classification Criteria Version 2. Collection method: clinical testing. Allele origin: germline. Affected: yes. Observed: 1 variant allele.
Comment: LRPPRC: BP4

GeneDx
Classification: Uncertain significance. Last evaluated: 2024-07-03. Review status: criteria provided, single submitter. Criteria: GeneDx Variant Classification Process June 2021. Collection method: clinical testing. Allele origin: germline. Affected: yes.
Comment: Not observed at significant frequency in large population cohorts (gnomAD); In silico analysis indicates that this missense variant does not alter protein structure/function; Has not been previously published as pathogenic or benign to our knowledge

Ambry Genetics
Classification: Uncertain significance for Inborn genetic diseases. Last evaluated: 2021-05-01. Review status: criteria provided, single submitter. Criteria: Ambry Variant Classification Scheme 2023. Collection method: clinical testing. Allele origin: germline.

NM_133259.4(LRPPRC):c.317A>G (p.Gln106Arg)

Gene: LRPPRC (leucine rich pentatricopeptide repeat containing; minus strand). Cytogenetic location: 2p21.
Variant type: single nucleotide variant.
Coding change: c.317A>G on transcript NM_133259.4 (MANE Select); coding-DNA position 317, A replaced by G.
Protein change: p.Gln106Arg; replaces glutamine 106 with arginine.
Molecular consequence: missense variant.
Genome position (GRCh38, 1-based): chr2:43,982,267, T>C on the plus strand (A>G on the coding strand, the complement: LRPPRC is on the minus strand). VCF-style: chr2-43982267-T-C. GRCh37 (hg19) VCF-style: chr2-44209406-T-C.
Other names: short protein forms Q106R.
Identifiers: ClinVar variation 2397378 (VCV002397378.4), dbSNP rs778796035, ClinGen allele CA1639413.
Genomic context (GRCh38, chr2:43,982,267, plus strand): 5'-TCAACTTTATGAACAGGAAATTTTGAAATACCTGAGCGGCAGGTATCATTAAAAACTTTT[T>C]GTAGAAGCTTCTTTGGAATGCGGCCAGTTCTTCGAACAGAAAGATCTAGTCTCATTAGAG-3'
Protein context (NP_573566.2, residues 96-116): RTGRIPKKLL[Gln106Arg]KVFNDTCRSG